The following is an entry in ClinVar:

NM_000488.4(SERPINC1):c.116T>C (p.Ile39Thr)

Gene: SERPINC1 (serpin family C member 1; minus strand). Cytogenetic location: 1q25.1.
Variant type: single nucleotide variant.
Coding change: c.116T>C on transcript NM_000488.4 (MANE Select); coding-DNA position 116, T replaced by C.
Protein change: p.Ile39Thr; replaces isoleucine 39 with threonine.
Molecular consequence: missense variant. On other transcripts: 5 prime UTR variant (1).
Genome position (GRCh38, 1-based): chr1:173,914,845, A>G on the plus strand (T>C on the coding strand, the complement: SERPINC1 is on the minus strand). VCF-style: chr1-173914845-A-G. GRCh37 (hg19) VCF-style: chr1-173883983-A-G.
Other names: NM_000488.4(SERPINC1):c.116T>C; p.Ile39Thr; c.-29T>C (NM_001365052.2); c.116T>C, p.Ile39Thr (NM_001386302.1, NM_001386304.1, NM_001386305.1 and 1 more transcripts); c.197T>C, p.Ile66Thr (NM_001386303.1); short protein forms I39T, I66T.
Identifiers: ClinVar variation 1527893 (VCV001527893.3), dbSNP rs121909558, ClinGen allele CA343778339.
Genomic context (GRCh38, chr1:173,914,845, plus strand): 5'-TCCGGGGAGCGGTAAATGCACATGGGATTCATGGGAATGTCCCGCGGCTTGGCTGTGCAG[A>G]TGTCCACAGGGCTCCCGTGACAGGTCACGCAGTCCCAGAAGCCAATGAGCAGCAAGGACA-3'
Protein context (NP_000479.1, residues 29-49): CVTCHGSPVD[Ile39Thr]CTAKPRDIPM

ClinVar aggregate classification (germline): Uncertain significance. Review status: reviewed by expert panel (3 of 4 stars). 2 submissions from 2 submitters: Uncertain significance (1). 1 of the submissions does not count toward it. Last evaluated 2025-12-12.

Conditions:
Hereditary antithrombin deficiency (AT3D). Also called: Antithrombin III deficiency; Thrombophilia due to antithrombin III deficiency; Reduced antithrombin III activity; Antithrombin deficiency. Identifiers: Orphanet 82, MedGen C0272375, MONDO:0013144, OMIM 613118, HP:0001976.

Submissions (2):

Clingen Thrombosis Variant Curation Expert Panel, ClinGen
Classification: Uncertain significance for Hereditary antithrombin deficiency. Last evaluated: 2025-12-12. Review status: reviewed by expert panel. Criteria: ClinGen ACMG Specifications SERPINC1 V1.0.0. Collection method: curation. Allele origin: germline. Inheritance: Autosomal dominant inheritance.
Comment: The c.116T>C (NM_000488.4) variant in SERPINC1 is a missense variant predicted to cause substitution of isoleucine by threonine at amino acid 39 (p.Ile39Thr). This variant alters a highly conserved residue, and a known heparin binding site (Ile39) with well-established function (PM1). The variant is absent from gnomAD (v4.1.0) in a region with good coverage profile across both genomes and exomes (PM2_supporting). The computational predictor REVEL with a score of 0.651, is above the threshold of 0.6, which correlates with a deleterious impact to SERPINC1 function (PP3). There were no reported cases that met criteria to apply PP4 or PS4 at any strength. A different missense variant p.Ile39Asn (CA210770) has been reported in association with the phenotype in the same critical codon and classified as LP for hereditary antithrombin deficiency by the ClinGen Thrombosis VCEP (PM5_supporting). In summary, this variant meets the criteria to be classified as variant of uncertain significance for autosomal dominant antithrombin deficiency based on the ACMG/AMP criteria applied, as specified by the ClinGen Thrombosis VCEP PM1, PM2_supporting, PP3.

MVZ Martinsried, Medicover Genetics
Classification: Likely pathogenic for Hereditary antithrombin deficiency. Last evaluated: 2022-01-24. Review status: criteria provided, single submitter. Criteria: ACGS Guidelines, 2020. Collection method: clinical testing. Allele origin: unknown. Affected: yes. Not counted in ClinVar's aggregate classification.